The following is an entry in ClinVar:

NM_000512.5(GALNS):c.1471T>C (p.Trp491Arg)

Genes: GALNS (galactosamine (N-acetyl)-6-sulfatase; minus strand), LOC126862447 (CDK7 strongly-dependent group 2 enhancer GRCh37_chr16:88884193-88885392; plus strand). Cytogenetic location: 16q24.3.
Variant type: single nucleotide variant.
Coding change: c.1471T>C on transcript NM_000512.5 (MANE Select); coding-DNA position 1471, T replaced by C.
Protein change: p.Trp491Arg; replaces tryptophan 491 with arginine.
Molecular consequence: missense variant.
Genome position (GRCh38, 1-based): chr16:88,818,018, A>G on the plus strand (T>C on the coding strand, the complement: GALNS is on the minus strand). VCF-style: chr16-88818018-A-G. GRCh37 (hg19) VCF-style: chr16-88884426-A-G.
Other names: c.1471T>C (NM_000512.4); c.916T>C, p.Trp306Arg (NM_001323543.2); c.1489T>C, p.Trp497Arg (NM_001323544.2); short protein forms W497R, W491R, W306R.
Identifiers: ClinVar variation 1500978 (VCV001500978.4), dbSNP rs753344649, ClinGen allele CA8234660.

ClinVar aggregate classification (germline): Uncertain significance. Review status: criteria provided, multiple submitters, no conflicts (2 of 4 stars). 2 submissions from 2 submitters: Uncertain significance (2). Last evaluated 2024-06-18.

Conditions:
Inborn genetic diseases. Identifiers: MedGen C0950123, MeSH D030342.
Mucopolysaccharidosis, MPS-IV-A (MPS4A). Also called: MPS IVA; GALACTOSAMINE-6-SULFATASE DEFICIENCY; GALNS DEFICIENCY; MORQUIO A DISEASE; Morquio syndrome A, mild; MORQUIO SYNDROME A. Identifiers: Orphanet 309297, Orphanet 582, MedGen C0086651, MONDO:0009659, OMIM 253000.

Allele frequency attached by ClinVar (database versions not stated): gnomAD 0.00001; gnomAD exomes 0.00001 and 0.00003; TOPMed 0.00003.
gnomAD v4.1: 21 of 1,583,010 alleles (0.0013%); highest among the groups gnomAD compares: Non-Finnish European, 0.00051%; no homozygotes.

Submissions (2):

Ambry Genetics
Classification: Uncertain significance for Inborn genetic diseases. Last evaluated: 2024-06-18. Review status: criteria provided, single submitter. Criteria: Ambry Variant Classification Scheme 2023. Collection method: clinical testing. Allele origin: germline.

Labcorp Genetics (formerly Invitae), Labcorp
Classification: Uncertain significance for Mucopolysaccharidosis, MPS-IV-A. Last evaluated: 2021-10-24. Review status: criteria provided, single submitter. Criteria: Invitae Variant Classification Sherloc (09022015). Collection method: clinical testing. Allele origin: germline.
Comment: This sequence change replaces tryptophan with arginine at codon 491 of the GALNS protein (p.Trp491Arg). The tryptophan residue is weakly conserved and there is a moderate physicochemical difference between tryptophan and arginine. The frequency data for this variant in the population databases is considered unreliable, as metrics indicate poor data quality at this position in the ExAC database. This variant has not been reported in the literature in individuals affected with GALNS-related conditions. Advanced modeling of protein sequence and biophysical properties (such as structural, functional, and spatial information, amino acid conservation, physicochemical variation, residue mobility, and thermodynamic stability) performed at Invitae indicates that this missense variant is not expected to disrupt GALNS protein function. In summary, the available evidence is currently insufficient to determine the role of this variant in disease. Therefore, it has been classified as a Variant of Uncertain Significance.